The following is an entry in ClinVar:

ClinVar aggregate classification (germline): Uncertain significance. Review status: criteria provided, multiple submitters, no conflicts (2 of 4 stars). 5 submissions from 5 submitters: Uncertain significance (4). 1 of the submissions does not count toward it. Last evaluated 2025-04-03.

Conditions:
Hereditary cancer-predisposing syndrome. Also called: Hereditary neoplastic syndrome; Hereditary Cancer Syndrome; Tumor predisposition; Neoplastic Syndromes, Hereditary. Identifiers: Orphanet 140162, MedGen C0027672, MeSH D009386, MONDO:0015356.
Familial cancer of breast. Also called: BREAST CANCER, FAMILIAL; Hereditary breast cancer; hereditary breast carcinoma. Identifiers: Orphanet 227535, MedGen C0346153, MONDO:0016419, OMIM 114480. Disease mechanism: loss of function.
Ataxia-telangiectasia syndrome (AT). Also called: ATAXIA-TELANGIECTASIA, FRESNO VARIANT; Ataxia-telangiectasia, complementation group E; Ataxia telangiectasia (A-T); LOUIS-BAR SYNDROME; Ataxia-telangiectasia, complementation group D; AT, COMPLEMENTATION GROUP C. Identifiers: Orphanet 100, MedGen C0004135, MONDO:0008840, OMIM 208900.

Allele frequency attached by ClinVar (database versions not stated): gnomAD exomes 0.00001; ExAC 0.00002.
gnomAD v4.1: 15 of 1,614,012 alleles (0.00093%); highest among the groups gnomAD compares: Non-Finnish European, 0.0013%; no homozygotes.

Submissions (5):

Ambry Genetics
Classification: Uncertain significance for Hereditary cancer-predisposing syndrome. Last evaluated: 2025-04-03. Review status: criteria provided, single submitter. Criteria: Ambry Variant Classification Scheme 2023. Collection method: clinical testing. Allele origin: germline.
Comment: The p.F652S variant (also known as c.1955T>C), located in coding exon 12 of the ATM gene, results from a T to C substitution at nucleotide position 1955. The phenylalanine at codon 652 is replaced by serine, an amino acid with highly dissimilar properties. This variant was reported in 1/60,466 breast cancer cases and in 0/53,461 controls (Dorling et al. N Engl J Med 2021 02;384:428-439). This amino acid position is well conserved in available vertebrate species. In addition, this alteration is predicted to be tolerated by in silico analysis. Based on the available evidence, the clinical significance of this variant remains unclear.

Labcorp Genetics (formerly Invitae), Labcorp
Classification: Uncertain significance for Ataxia-telangiectasia syndrome. Last evaluated: 2024-08-12. Review status: criteria provided, single submitter. Criteria: Invitae Variant Classification Sherloc (09022015). Collection method: clinical testing. Allele origin: germline.
Comment: This sequence change replaces phenylalanine, which is neutral and non-polar, with serine, which is neutral and polar, at codon 652 of the ATM protein (p.Phe652Ser). This variant is present in population databases (rs766259936, gnomAD 0.0009%). This variant has not been reported in the literature in individuals affected with ATM-related conditions. ClinVar contains an entry for this variant (Variation ID: 965804). An algorithm developed to predict the effect of missense changes on protein structure and function (PolyPhen-2) suggests that this variant is likely to be disruptive. In summary, the available evidence is currently insufficient to determine the role of this variant in disease. Therefore, it has been classified as a Variant of Uncertain Significance.

Baylor Genetics
Classification: Uncertain significance for Familial cancer of breast. Last evaluated: 2023-08-11. Review status: criteria provided, single submitter. Criteria: ACMG Guidelines, 2015. Collection method: clinical testing. Allele origin: unknown.

GeneDx
Classification: Uncertain significance. Last evaluated: 2021-06-28. Review status: criteria provided, single submitter. Criteria: GeneDx Variant Classification Process June 2021. Collection method: clinical testing. Allele origin: germline. Affected: yes.
Comment: Not observed at significant frequency in large population cohorts (Lek et al., 2016); In silico analysis supports that this missense variant has a deleterious effect on protein structure/function; Has not been previously published as pathogenic or benign to our knowledge; This variant is associated with the following publications: (PMID: 27535533)

Natera, Inc.
Classification: Uncertain significance for Ataxia-telangiectasia. Last evaluated: 2021-05-26. Review status: no assertion criteria provided. Collection method: clinical testing. Allele origin: germline. Not counted in ClinVar's aggregate classification.

Literature cited by the submitters: PubMed 33471991 (cited by Ambry Genetics).

NM_000051.4(ATM):c.1955T>C (p.Phe652Ser)

Gene: ATM (ATM serine/threonine kinase; plus strand). Cytogenetic location: 11q22.3.
Variant type: single nucleotide variant.
Coding change: c.1955T>C on transcript NM_000051.4 (MANE Select); coding-DNA position 1955, T replaced by C.
Protein change: p.Phe652Ser; replaces phenylalanine 652 with serine.
Molecular consequence: missense variant.
Genome position (GRCh38, 1-based): chr11:108,253,870, T>C. VCF-style: chr11-108253870-T-C. GRCh37 (hg19) VCF-style: chr11-108124597-T-C.
Other names: c.1955T>C, p.Phe652Ser (NM_001351834.2); short protein forms F652S.
Identifiers: ClinVar variation 965804 (VCV000965804.17), dbSNP rs766259936, ClinGen allele CA6264912.
Genomic context (GRCh38, chr11:108,253,870, plus strand): 5'-GAAGTGAACACCACCAAAAAGATAAAGAAGAACTTTCATTCTCAGAAGTAGAAGAACTAT[T>C]TCTTCAGACAACTTTTGACAAGATGGACTTTTTAACCATTGTGAGAGAATGTGGTATAGA-3'
Protein context (NP_000042.3, residues 642-662): ELSFSEVEEL[Phe652Ser]LQTTFDKMDF